The following is an entry in ClinVar:

NM_001958.5(EEF1A2):c.144+238A>G

Genes: EEF1A2 (eukaryotic translation elongation factor 1 alpha 2; minus strand), LOC132090596 (Neanderthal introgressed variant-containing enhancer experimental_60996; plus strand). Cytogenetic location: 20q13.33.
Variant type: single nucleotide variant.
Coding change: c.144+238A>G on transcript NM_001958.5 (MANE Select); 238 bases into the intron after coding-DNA position 144, A replaced by G.
Molecular consequence: intron variant.
Genome position (GRCh38, 1-based): chr20:63,497,382, T>C on the plus strand (A>G on the coding strand, the complement: EEF1A2 is on the minus strand). VCF-style: chr20-63497382-T-C. GRCh37 (hg19) VCF-style: chr20-62128735-T-C.
Identifiers: ClinVar variation 680009 (VCV000680009.1), dbSNP rs6122128, ClinGen allele CA15967762.

ClinVar aggregate classification (germline): Benign (1 of 4 stars; one submission).

Allele frequency attached by ClinVar (database versions not stated): TOPMed 0.10218; gnomAD 0.11215 and 0.11638; 1000 Genomes Project 30x 0.13913; gnomAD exomes 0.14473; 1000 Genomes Project 0.14756.
gnomAD v4.1: 69,406 of 511,588 alleles (14%); highest among the groups gnomAD compares: East Asian, 48%; 7,200 homozygotes.

Submission:

GeneDx
Classification: Benign. Last evaluated: 2018-06-19. Review status: criteria provided, single submitter. Criteria: GeneDx Variant Classification (06012015). Collection method: clinical testing. Allele origin: germline. Affected: yes.
Comment: This variant is considered likely benign or benign based on one or more of the following criteria: it is a conservative change, it occurs at a poorly conserved position in the protein, it is predicted to be benign by multiple in silico algorithms, and/or has population frequency not consistent with disease.